The following is an entry in ClinVar:

ClinVar aggregate classification (germline): Likely benign (0 of 4 stars; one submission).

Conditions:
ABCA13-related disorder. Also called: ABCA13-related condition.

Allele frequency attached by ClinVar (database versions not stated): 1000 Genomes Project 0.00020; 1000 Genomes Project 30x 0.00031; TOPMed 0.00120; gnomAD 0.00138; ExAC 0.00140; ESP Exome Variant Server 0.00172; gnomAD exomes 0.00232.
gnomAD v4.1: 3,579 of 1,613,650 alleles (0.22%); highest among the groups gnomAD compares: Non-Finnish European, 0.28%; 7 homozygotes.

Submission:

PreventionGenetics, part of Exact Sciences
Classification: Likely benign for ABCA13-related condition. Last evaluated: 2022-08-08. Review status: no assertion criteria provided. Collection method: clinical testing. Allele origin: germline.
Comment: This variant is classified as likely benign based on ACMG/AMP sequence variant interpretation guidelines (Richards et al. 2015 PMID: 25741868, with internal and published modifications).

NM_152701.5(ABCA13):c.13768C>T (p.Arg4590Trp)

Gene: ABCA13 (ATP binding cassette subfamily A member 13; plus strand). Cytogenetic location: 7p12.3.
Variant type: single nucleotide variant.
Coding change: c.13768C>T on transcript NM_152701.5 (MANE Select); coding-DNA position 13768, C replaced by T.
Protein change: p.Arg4590Trp; replaces arginine 4590 with tryptophan.
Molecular consequence: missense variant.
Genome position (GRCh38, 1-based): chr7:48,516,852, C>T. VCF-style: chr7-48516852-C-T. GRCh37 (hg19) VCF-style: chr7-48556448-C-T.
Other names: short protein forms R4590W.
Identifiers: ClinVar variation 3045753 (VCV003045753.2), dbSNP rs79049908, ClinGen allele CA4259460.